The following is an entry in ClinVar:

NM_201548.5(CERKL):c.1365+3A>T

Gene: CERKL (CERK like autophagy regulator; minus strand). Cytogenetic location: 2q31.3.
Variant type: single nucleotide variant.
Coding change: c.1365+3A>T on transcript NM_201548.5 (MANE Select); 3 bases into the intron after coding-DNA position 1365, A replaced by T.
Molecular consequence: intron variant.
Genome position (GRCh38, 1-based): chr2:181,544,697, T>A on the plus strand (A>T on the coding strand, the complement: CERKL is on the minus strand). VCF-style: chr2-181544697-T-A. GRCh37 (hg19) VCF-style: chr2-182409424-T-A.
Other names: c.1026+3A>T (NM_001030312.3); c.1311+3A>T (NM_001160277.2); c.1158+3A>T (NM_001030313.3); c.1443+3A>T (NM_001030311.3).
Identifiers: ClinVar variation 4705937 (VCV004705937.1).

ClinVar aggregate classification (germline): Uncertain significance (1 of 4 stars; one submission).

Submission:

Labcorp Genetics (formerly Invitae), Labcorp
Classification: Uncertain significance. Last evaluated: 2025-08-03. Review status: criteria provided, single submitter. Criteria: Invitae Variant Classification Sherloc (09022015). Collection method: clinical testing. Allele origin: germline.
Comment: This sequence change falls in intron 12 of the CERKL gene. It does not directly change the encoded amino acid sequence of the CERKL protein. It affects a nucleotide within the consensus splice site. This variant is not present in population databases (gnomAD no frequency). This variant has not been reported in the literature in individuals affected with CERKL-related conditions. Variants that disrupt the consensus splice site are a relatively common cause of aberrant splicing (PMID: 17576681, 9536098). Algorithms developed to predict the effect of sequence changes on RNA splicing suggest that this variant may disrupt the consensus splice site. In summary, the available evidence is currently insufficient to determine the role of this variant in disease. Therefore, it has been classified as a Variant of Uncertain Significance.

Literature cited by the submitters: PubMed 17576681; PubMed 9536098.